The following is an entry in ClinVar:

NM_177438.3(DICER1):c.3536C>G (p.Ser1179Cys)

Gene: DICER1 (dicer 1, ribonuclease III; minus strand). Cytogenetic location: 14q32.13.
Variant type: single nucleotide variant.
Coding change: c.3536C>G on transcript NM_177438.3 (MANE Select); coding-DNA position 3536, C replaced by G.
Protein change: p.Ser1179Cys; replaces serine 1179 with cysteine.
Molecular consequence: missense variant.
Genome position (GRCh38, 1-based): chr14:95,103,860, G>C on the plus strand (C>G on the coding strand, the complement: DICER1 is on the minus strand). VCF-style: chr14-95103860-G-C. GRCh37 (hg19) VCF-style: chr14-95570197-G-C.
Other names: c.3536C>G, p.Ser1179Cys (NM_001195573.1, NM_001271282.3, NM_001291628.2 and 1 more transcripts); short protein forms S1179C.
Identifiers: ClinVar variation 412039 (VCV000412039.19), dbSNP rs1060503585, ClinGen allele CA16614329.

ClinVar aggregate classification (germline): Uncertain significance. Review status: criteria provided, multiple submitters, no conflicts (2 of 4 stars). 4 submissions from 4 submitters: Uncertain significance (4). Last evaluated 2026-01-19.

Conditions:
DICER1-related tumor predisposition. Also called: DICER1-related pleuropulmonary blastoma cancer predisposition syndrome; DICER1 syndrome. Identifiers: Orphanet 284343, MedGen C3839822, MONDO:0100216.
Global developmental delay - lung cysts - overgrowth - Wilms tumor syndrome. Also called: GLOW Syndrome; GLOBAL DEVELOPMENTAL DELAY, LUNG CYSTS, OVERGROWTH, AND WILMS TUMOR. Identifiers: Orphanet 404476, MedGen C4748924, MONDO:0018445, OMIM 618272.
Hereditary cancer-predisposing syndrome. Also called: Hereditary neoplastic syndrome; Neoplastic Syndromes, Hereditary; Tumor predisposition; Hereditary Cancer Syndrome. Identifiers: Orphanet 140162, MedGen C0027672, MeSH D009386, MONDO:0015356.

Allele frequency attached by ClinVar (database versions not stated): gnomAD 0.00001.
gnomAD v4.1: 1 of 1,614,046 alleles (0.000062%); highest among the groups gnomAD compares: Non-Finnish European, 0.000085%; no homozygotes.

Submissions (4):

Labcorp Genetics (formerly Invitae), Labcorp
Classification: Uncertain significance for DICER1-related tumor predisposition. Last evaluated: 2026-01-19. Review status: criteria provided, single submitter. Criteria: Invitae Variant Classification Sherloc (09022015). Collection method: clinical testing. Allele origin: germline.
Comment: This sequence change replaces serine, which is neutral and polar, with cysteine, which is neutral and slightly polar, at codon 1179 of the DICER1 protein (p.Ser1179Cys). This variant is present in population databases (no rsID available, gnomAD 0.007%). This variant has not been reported in the literature in individuals affected with DICER1-related conditions. ClinVar contains an entry for this variant (Variation ID: 412039). Invitae Evidence Modeling of protein sequence and biophysical properties (such as structural, functional, and spatial information, amino acid conservation, physicochemical variation, residue mobility, and thermodynamic stability) indicates that this missense variant is not expected to disrupt DICER1 protein function with a negative predictive value of 95%. In summary, the available evidence is currently insufficient to determine the role of this variant in disease. Therefore, it has been classified as a Variant of Uncertain Significance.

Ambry Genetics
Classification: Uncertain significance for Hereditary cancer-predisposing syndrome. Last evaluated: 2025-03-08. Review status: criteria provided, single submitter. Criteria: Ambry Variant Classification Scheme 2023. Collection method: clinical testing. Allele origin: germline.
Comment: The p.S1179C variant (also known as c.3536C>G), located in coding exon 20 of the DICER1 gene, results from a C to G substitution at nucleotide position 3536. The serine at codon 1179 is replaced by cysteine, an amino acid with dissimilar properties. This amino acid position is well conserved in available vertebrate species. In addition, the in silico prediction for this alteration is inconclusive. Since supporting evidence is limited at this time, the clinical significance of this alteration remains unclear.

Molecular Pathology, Peter Maccallum Cancer Centre
Classification: Uncertain significance for DICER1-related tumor predisposition. Last evaluated: 2024-01-12. Review status: criteria provided, single submitter. Criteria: ACMG Guidelines, 2015. Collection method: clinical testing. Allele origin: germline. Inheritance: Autosomal dominant inheritance.

Baylor Genetics
Classification: Uncertain significance for Global developmental delay - lung cysts - overgrowth - Wilms tumor syndrome. Last evaluated: 2023-12-26. Review status: criteria provided, single submitter. Criteria: ACMG Guidelines, 2015. Collection method: clinical testing. Allele origin: unknown.